The following is an entry in ClinVar:

ClinVar aggregate classification (germline): Uncertain significance. Review status: criteria provided, multiple submitters, no conflicts (2 of 4 stars). 2 submissions from 2 submitters: Uncertain significance (2). Last evaluated 2023-06-27.

Conditions:
Hereditary cancer-predisposing syndrome. Also called: Hereditary Cancer Syndrome; Hereditary neoplastic syndrome; Neoplastic Syndromes, Hereditary; Tumor predisposition. Identifiers: Orphanet 140162, MedGen C0027672, MeSH D009386, MONDO:0015356.
Familial adenomatous polyposis 1 (FAP1). Also called: FAMILIAL ADENOMATOUS POLYPOSIS 1, ATTENUATED; POLYPOSIS, ADENOMATOUS INTESTINAL. Identifiers: MedGen C2713442, MONDO:0021056, OMIM 175100. Disease mechanism: loss of function.

Submissions (2):

Labcorp Genetics (formerly Invitae), Labcorp
Classification: Uncertain significance for Familial adenomatous polyposis 1. Last evaluated: 2023-06-27. Review status: criteria provided, single submitter. Criteria: Invitae Variant Classification Sherloc (09022015). Collection method: clinical testing. Allele origin: germline.
Comment: In summary, the available evidence is currently insufficient to determine the role of this variant in disease. Therefore, it has been classified as a Variant of Uncertain Significance. Advanced modeling of protein sequence and biophysical properties (such as structural, functional, and spatial information, amino acid conservation, physicochemical variation, residue mobility, and thermodynamic stability) performed at Invitae indicates that this missense variant is not expected to disrupt APC protein function. ClinVar contains an entry for this variant (Variation ID: 1742606). This variant has not been reported in the literature in individuals affected with APC-related conditions. This variant is not present in population databases (gnomAD no frequency). This sequence change replaces isoleucine, which is neutral and non-polar, with valine, which is neutral and non-polar, at codon 1572 of the APC protein (p.Ile1572Val).

Ambry Genetics
Classification: Uncertain significance for Hereditary cancer-predisposing syndrome. Last evaluated: 2021-05-26. Review status: criteria provided, single submitter. Criteria: Ambry Variant Classification Scheme 2023. Collection method: clinical testing. Allele origin: germline.
Comment: The p.I1572V variant (also known as c.4714A>G), located in coding exon 15 of the APC gene, results from an A to G substitution at nucleotide position 4714. The isoleucine at codon 1572 is replaced by valine, an amino acid with highly similar properties. This amino acid position is highly conserved in available vertebrate species. In addition, in silico predictors for this gene do not accurately predict pathogenicity. Since supporting evidence is limited at this time, the clinical significance of this alteration remains unclear.

NM_000038.6(APC):c.4714A>G (p.Ile1572Val)

Gene: APC (APC regulator of Wnt signaling pathway; plus strand). Cytogenetic location: 5q22.2.
Variant type: single nucleotide variant.
Coding change: c.4714A>G on transcript NM_000038.6 (MANE Select); coding-DNA position 4714, A replaced by G.
Protein change: p.Ile1572Val; replaces isoleucine 1572 with valine.
Molecular consequence: missense variant.
Genome position (GRCh38, 1-based): chr5:112,840,308, A>G. VCF-style: chr5-112840308-A-G. GRCh37 (hg19) VCF-style: chr5-112176005-A-G.
Other names: c.4714A>G, p.Ile1572Val (NM_001127510.3, NM_001354895.2, NM_001407450.1); c.4660A>G, p.Ile1554Val (NM_001127511.3); c.4768A>G, p.Ile1590Val (NM_001354896.2, NM_001407447.1, NM_001407448.1 and 1 more transcripts); c.4744A>G, p.Ile1582Val (NM_001354897.2); c.4639A>G, p.Ile1547Val (NM_001354898.2); c.4630A>G, p.Ile1544Val (NM_001354899.2); c.4591A>G, p.Ile1531Val (NM_001354900.2); c.4537A>G, p.Ile1513Val (NM_001354901.2, NM_001407453.1); and 11 more; short protein forms I1412V, I1481V, I1582V, I1188V, I1443V, I1446V, I1544V, I1547V.
Identifiers: ClinVar variation 1742606 (VCV001742606.5), dbSNP rs750107668, ClinGen allele CA16031670.
Genomic context (GRCh38, chr5:112,840,308, plus strand): 5'-GAGGCAGAAAAAACTATTGATTCTGAAAAGGACCTATTAGATGATTCAGATGATGATGAT[A>G]TTGAAATACTAGAAGAATGTATTATTTCTGCCATGCCAACAAAGTCATCACGTAAAGCAA-3'
Protein context (NP_000029.2, residues 1562-1582): DLLDDSDDDD[Ile1572Val]EILEECIISA